The following is an entry in ClinVar:

NM_000243.3(MEFV):c.1764= (p.Pro588=)

Genes: MEFV (MEFV innate immunity regulator, pyrin; minus strand), LOC126862264 (CDK7 strongly-dependent group 2 enhancer GRCh37_chr16:3293322-3294521; plus strand). Cytogenetic location: 16p13.3.
Variant type: single nucleotide variant.
Coding change: c.1764= on transcript NM_000243.3 (MANE Select); coding-DNA position 1764, no change from the reference sequence.
Protein change: p.Pro588=; no amino-acid change (proline 588 retained).
Molecular consequence: no sequence alteration.
Genome position: GRCh38 VCF-style: chr16-3243888-C-C. GRCh37 (hg19) VCF-style: chr16-3293888-C-C.
Other names: p.P588P:CCA>CCG; c.1306=, p.Gly436= (NM_001198536.2).
Identifiers: ClinVar variation 138206 (VCV000138206.23), dbSNP rs1231122.

ClinVar aggregate classification (germline): Benign. Review status: criteria provided, multiple submitters, no conflicts (2 of 4 stars). 3 submissions from 3 submitters: Benign (3). Last evaluated 2026-02-04.

Conditions:
Familial Mediterranean fever (FMF). Also called: POLYSEROSITIS, FAMILIAL PAROXYSMAL; POLYSEROSITIS, RECURRENT; Periodic peritonitis; Benign paroxysmal peritonitis. Identifiers: Orphanet 342, MedGen C0031069, MONDO:0018088, OMIM 249100. Disease mechanism: gain of function.

Allele frequency attached by ClinVar (database versions not stated): ESP Exome Variant Server 0.57642; 1000 Genomes Project 30x 0.64944; gnomAD 0.58770 and 0.59264; TOPMed 0.59967; 1000 Genomes Project 0.64637.

Submissions (3):

Labcorp Genetics (formerly Invitae), Labcorp
Classification: Benign for Familial Mediterranean fever. Last evaluated: 2026-02-04. Review status: criteria provided, single submitter. Criteria: Invitae Variant Classification Sherloc (09022015). Collection method: clinical testing. Allele origin: germline.

ARUP Laboratories, Molecular Genetics and Genomics, ARUP Laboratories
Classification: Benign. Last evaluated: 2022-02-14. Review status: criteria provided, single submitter. Criteria: ARUP Molecular Germline Variant Investigation Process 2021. Collection method: clinical testing. Allele origin: germline.

GeneDx
Classification: Benign. Last evaluated: 2011-07-07. Review status: criteria provided, single submitter. Criteria: GeneDx Variant Classification (06012015). Collection method: clinical testing. Allele origin: germline. Affected: yes.
Comment: This variant is considered likely benign or benign based on one or more of the following criteria: it is a conservative change, it occurs at a poorly conserved position in the protein, it is predicted to be benign by multiple in silico algorithms, and/or has population frequency not consistent with disease.